The following is an entry in ClinVar:

ClinVar aggregate classification (germline): Likely benign (1 of 4 stars; one submission).

Submission:

CeGaT Center for Human Genetics Tuebingen
Classification: Likely benign. Last evaluated: 2024-08-01. Review status: criteria provided, single submitter. Criteria: CeGaT Center For Human Genetics Tuebingen Variant Classification Criteria Version 2. Collection method: clinical testing. Allele origin: germline. Affected: yes. Observed: 1 variant allele.
Comment: DNAJC30: BP4, BP7

NM_032317.3(DNAJC30):c.480G>T (p.Thr160=)

Genes: DNAJC30 (DnaJ heat shock protein family (Hsp40) member C30; minus strand), LOC129998602 (ATAC-STARR-seq lymphoblastoid active region 26126; plus strand). Cytogenetic location: 7q11.23.
Variant type: single nucleotide variant.
Coding change: c.480G>T on transcript NM_032317.3 (MANE Select); coding-DNA position 480, G replaced by T.
Protein change: p.Thr160=; no amino-acid change (threonine 160 retained).
Molecular consequence: synonymous variant.
Genome position (GRCh38, 1-based): chr7:73,682,944, C>A on the plus strand (G>T on the coding strand, the complement: DNAJC30 is on the minus strand). VCF-style: chr7-73682944-C-A. GRCh37 (hg19) VCF-style: chr7-73097274-C-A.
Identifiers: ClinVar variation 3341677 (VCV003341677.16).